The following is an entry in ClinVar:

ClinVar aggregate classification (germline): Uncertain significance (1 of 4 stars; one submission).

gnomAD v4.1: 1 of 1,613,558 alleles (0.000062%); highest among the groups gnomAD compares: Admixed American, 0.0017%; no homozygotes.

Submission:

Labcorp Genetics (formerly Invitae), Labcorp
Classification: Uncertain significance. Last evaluated: 2025-01-23. Review status: criteria provided, single submitter. Criteria: Invitae Variant Classification Sherloc (09022015). Collection method: clinical testing. Allele origin: germline.
Comment: This sequence change replaces threonine, which is neutral and polar, with isoleucine, which is neutral and non-polar, at codon 457 of the TCIRG1 protein (p.Thr457Ile). This variant is present in population databases (rs758562805, gnomAD 0.003%). This variant has not been reported in the literature in individuals affected with TCIRG1-related conditions. Invitae Evidence Modeling of protein sequence and biophysical properties (such as structural, functional, and spatial information, amino acid conservation, physicochemical variation, residue mobility, and thermodynamic stability) indicates that this missense variant is not expected to disrupt TCIRG1 protein function with a negative predictive value of 80%. In summary, the available evidence is currently insufficient to determine the role of this variant in disease. Therefore, it has been classified as a Variant of Uncertain Significance.

NM_006019.4(TCIRG1):c.1370C>T (p.Thr457Ile)

Gene: TCIRG1 (T cell immune regulator 1, ATPase H+ transporting V0 subunit a3; plus strand). Cytogenetic location: 11q13.2.
Variant type: single nucleotide variant.
Coding change: c.1370C>T on transcript NM_006019.4 (MANE Select); coding-DNA position 1370, C replaced by T.
Protein change: p.Thr457Ile; replaces threonine 457 with isoleucine.
Molecular consequence: missense variant.
Genome position (GRCh38, 1-based): chr11:68,047,711, C>T. VCF-style: chr11-68047711-C-T. GRCh37 (hg19) VCF-style: chr11-67815178-C-T.
Other names: c.476C>T, p.Thr159Ile (NM_001351059.2); c.722C>T, p.Thr241Ile (NM_006053.4); short protein forms T159I, T241I, T457I.
Identifiers: ClinVar variation 3686716 (VCV003686716.2).
Genomic context (GRCh38, chr11:68,047,711, plus strand): 5'-GGCAGACTTTCTTCAGGGGCCGCTACCTGCTCCTGCTTATGGGCCTGTTCTCCATCTACA[C>T]CGGCTTCATCTACAACGAGTGCTTCAGTCGCGCCACCAGCATCTTCCCCTCGGGCTGGAG-3'
Protein context (NP_006010.2, residues 447-467): LLLMGLFSIY[Thr457Ile]GFIYNECFSR